The following is an entry in ClinVar:

NM_015335.5(MED13L):c.4373A>G (p.Lys1458Arg)

Gene: MED13L (mediator complex subunit 13L; minus strand). Cytogenetic location: 12q24.21.
Variant type: single nucleotide variant.
Coding change: c.4373A>G on transcript NM_015335.5 (MANE Select); coding-DNA position 4373, A replaced by G.
Protein change: p.Lys1458Arg; replaces lysine 1458 with arginine.
Molecular consequence: missense variant.
Genome position (GRCh38, 1-based): chr12:115,984,338, T>C on the plus strand (A>G on the coding strand, the complement: MED13L is on the minus strand). VCF-style: chr12-115984338-T-C. GRCh37 (hg19) VCF-style: chr12-116422143-T-C.
Other names: short protein forms K1458R.
Identifiers: ClinVar variation 2433717 (VCV002433717.4), dbSNP rs776268079, ClinGen allele CA6810807.

ClinVar aggregate classification (germline): Uncertain significance. Review status: criteria provided, multiple submitters, no conflicts (2 of 4 stars). 2 submissions from 2 submitters: Uncertain significance (2). Last evaluated 2025-06-17.

Conditions:
Cardiac anomalies - developmental delay - facial dysmorphism syndrome (MRFACD). Also called: Impaired intellectual development and distinctive facial features with or without cardiac defects; MED13L Syndrome. Identifiers: Orphanet 369891, MedGen C5192431, MONDO:0014773, OMIM 616789.

Allele frequency attached by ClinVar (database versions not stated): ExAC 0.00002; gnomAD exomes below 0.00001; gnomAD 0.00001.
gnomAD v4.1: 7 of 1,614,004 alleles (0.00043%); highest among the groups gnomAD compares: Non-Finnish European, 0.00059%; no homozygotes.

Submissions (2):

Women's Health and Genetics/Laboratory Corporation of America, LabCorp
Classification: Uncertain significance. Last evaluated: 2025-06-17. Review status: criteria provided, single submitter. Criteria: LabCorp Variant Classification Summary - May 2015. Collection method: clinical testing. Allele origin: germline.
Comment: Variant summary: MED13L c.4373A>G (p.Lys1458Arg) results in a conservative amino acid change in the encoded protein sequence. Algorithms developed to predict the effect of missense changes on protein structure and function are either unavailable or do not agree on the potential impact of this missense change. The variant allele was found at a frequency of 1.2e-05 in 250852 control chromosomes. The available data on variant occurrences in the general population are insufficient to allow any conclusion about variant significance. To our knowledge, no occurrence of c.4373A>G in individuals affected with Intellectual Disability And Distinctive Facial Features With Or Without Cardiac Defects and no experimental evidence demonstrating its impact on protein function have been reported. ClinVar contains an entry for this variant (Variation ID: 2433717). Based on the evidence outlined above, the variant was classified as uncertain significance.

Revvity Omics, Revvity
Classification: Uncertain significance for Cardiac anomalies - developmental delay - facial dysmorphism syndrome. Last evaluated: 2021-05-18. Review status: criteria provided, single submitter. Criteria: ACMG Guidelines, 2015. Collection method: clinical testing. Allele origin: germline.